The following is an entry in ClinVar:

ClinVar aggregate classification (germline): Pathogenic (1 of 4 stars; one submission).

Conditions:
Renal cysts and diabetes syndrome (RCAD). Also called: Familial hypoplastic, glomerulocystic kidney; MATURITY-ONSET DIABETES OF THE YOUNG, TYPE 5. Identifiers: Orphanet 93111, MedGen C0431693, MONDO:0007669, OMIM 137920.

Submission:

Institute of Human Genetics, FAU Erlangen, Friedrich-Alexander-Universität Erlangen-Nürnberg
Classification: Pathogenic for Renal cysts and diabetes syndrome. Last evaluated: 2019-07-06. Review status: criteria provided, single submitter. Criteria: ACMG Guidelines, 2015. Collection method: literature only. Allele origin: germline. Affected: yes.
Comment: This variant and it's classification has been reported by Vasileiou et al. 2019; DOI:10.1101/576918. The variants has previously been reported in PMID:25700310; PMID:22641569; PMID:22641569; PMID:25536396 as "c.C1304del,p.I434IfsX" with clinical significance Pathogenic. It has been re-classified using InterVar and manual curation as Pathogenic based on PVS1 PM2 PP3.

Literature cited by the submitters: PubMed 25700310; PubMed 22641569; PubMed 25536396; DOI 10.1101/576918.

NM_000458.4(HNF1B):c.1302del (p.Ile434_Met435insTer)

Gene: HNF1B (HNF1 homeobox B; minus strand). Cytogenetic location: 17q12.
Variant type: Deletion.
Coding change: c.1302del on transcript NM_000458.4 (MANE Select); coding-DNA position 1302, one base deleted (C; older notation c.1302delC).
Protein change: p.Ile434_Met435insTer.
Molecular consequence: frameshift variant.
Genome position (GRCh38, 1-based): chr17:37,704,954, G deleted on the plus strand (C on the coding strand, the reverse complement: HNF1B is on the minus strand). VCF-style (leftmost placement, unchanged base first): chr17-37704953-TG-T. GRCh37 (hg19) VCF-style: chr17-36064960-TG-T.
Other names: c.1224del, p.Ile408_Met409insTer (NM_001165923.4, NM_001304286.2).
Identifiers: ClinVar variation 635592 (VCV000635592.1), dbSNP rs2511709655, ClinGen allele CA913190646.